The following is an entry in ClinVar:

NM_000256.3(MYBPC3):c.3814+3G>A

Gene: MYBPC3 (myosin binding protein C3; minus strand). Cytogenetic location: 11p11.2.
Variant type: single nucleotide variant.
Coding change: c.3814+3G>A on transcript NM_000256.3 (MANE Select); 3 bases into the intron after coding-DNA position 3814, G replaced by A.
Molecular consequence: intron variant.
Genome position (GRCh38, 1-based): chr11:47,332,069, C>T on the plus strand (G>A on the coding strand, the complement: MYBPC3 is on the minus strand). VCF-style: chr11-47332069-C-T. GRCh37 (hg19) VCF-style: chr11-47353620-C-T.
Identifiers: ClinVar variation 2876516 (VCV002876516.3), dbSNP rs2495735902, ClinGen allele CA2739270410.

ClinVar aggregate classification (germline): Uncertain significance (1 of 4 stars; one submission).

Conditions:
Hypertrophic cardiomyopathy. Also called: HYPERTROPHIC MYOCARDIOPATHY. Identifiers: Orphanet 217569, MedGen C0007194, MeSH D002312, MONDO:0005045, HP:0001639.

Submission:

Labcorp Genetics (formerly Invitae), Labcorp
Classification: Uncertain significance for Hypertrophic cardiomyopathy. Last evaluated: 2024-10-16. Review status: criteria provided, single submitter. Criteria: Invitae Variant Classification Sherloc (09022015). Collection method: clinical testing. Allele origin: germline.
Comment: This sequence change falls in intron 33 of the MYBPC3 gene. It does not directly change the encoded amino acid sequence of the MYBPC3 protein. It affects a nucleotide within the consensus splice site. This variant is not present in population databases (gnomAD no frequency). This variant has not been reported in the literature in individuals affected with MYBPC3-related conditions. Variants that disrupt the consensus splice site are a relatively common cause of aberrant splicing (PMID: 17576681, 9536098). Algorithms developed to predict the effect of sequence changes on RNA splicing suggest that this variant is not likely to affect RNA splicing. In summary, the available evidence is currently insufficient to determine the role of this variant in disease. Therefore, it has been classified as a Variant of Uncertain Significance.

Literature cited by the submitters: PubMed 17576681; PubMed 9536098.